The following is an entry in ClinVar:

NM_058174.3(COL6A2):c.2574G>A (p.Thr858=)

Gene: COL6A2 (collagen type VI alpha 2 chain; plus strand). Cytogenetic location: 21q22.3.
Variant type: single nucleotide variant.
Coding change: c.2574G>A on transcript NM_058174.3 (MANE Plus Clinical); coding-DNA position 2574, G replaced by A.
Protein change: p.Thr858=; no amino-acid change (threonine 858 retained).
Molecular consequence: synonymous variant. On other transcripts: 3 prime UTR variant (1), intron variant (1).
Genome position (GRCh38, 1-based): chr21:46,129,308, G>A. VCF-style: chr21-46129308-G-A. GRCh37 (hg19) VCF-style: chr21-47549222-G-A.
Other names: c.*380G>A (NM_058175.3); c.2462-2646G>A (NM_001849.4).
Identifiers: ClinVar variation 4946721 (VCV004946721.2).

ClinVar aggregate classification (germline): Likely benign. Review status: criteria provided, multiple submitters, no conflicts (2 of 4 stars). 2 submissions from 2 submitters: Likely benign (2). Last evaluated 2026-08-01.

gnomAD v4.1: 535 of 1,612,940 alleles (0.033%); highest among the groups gnomAD compares: South Asian, 0.047%; 2 homozygotes.

Submissions (2):

CeGaT Center for Human Genetics Tuebingen
Classification: Likely benign. Last evaluated: 2026-08-01. Review status: criteria provided, single submitter. Criteria: CeGaT Center For Human Genetics Tuebingen Variant Classification Criteria Version 2. Collection method: clinical testing. Allele origin: germline. Affected: yes. Observed: 2 variant alleles.
Comment: COL6A2: BP4, BP7

Blueprint Genetics
Classification: Likely benign. Last evaluated: 2024-10-31. Review status: criteria provided, single submitter. Criteria: ACMG Guidelines, 2015. Collection method: clinical testing. Allele origin: germline.